The following is an entry in ClinVar:

ClinVar aggregate classification (germline): Pathogenic (1 of 4 stars; one submission).

Conditions:
Duchenne muscular dystrophy (DMD). Also called: Duchenne Muscular Dystrophy (DMD); MUSCULAR DYSTROPHY, PSEUDOHYPERTROPHIC PROGRESSIVE, DUCHENNE TYPE. Identifiers: Orphanet 98896, MedGen C0013264, MONDO:0010679, OMIM 310200.

Submission:

Labcorp Genetics (formerly Invitae), Labcorp
Classification: Pathogenic for Duchenne muscular dystrophy. Last evaluated: 2022-08-16. Review status: criteria provided, single submitter. Criteria: Invitae Variant Classification Sherloc (09022015). Collection method: clinical testing. Allele origin: germline.
Comment: This variant has not been reported in the literature in individuals affected with DMD-related conditions. This sequence change creates a premature translational stop signal (p.Leu808Profs*11) in the DMD gene. It is expected to result in an absent or disrupted protein product. Loss-of-function variants in DMD are known to be pathogenic (PMID: 16770791, 25007885). This variant is not present in population databases (gnomAD no frequency). ClinVar contains an entry for this variant (Variation ID: 1452873). For these reasons, this variant has been classified as Pathogenic.

Literature cited by the submitters: PubMed 16770791; PubMed 25007885.

NM_004006.3(DMD):c.2415_2422del (p.Leu808fs)

Gene: DMD (dystrophin; minus strand). Cytogenetic location: Xp21.1.
Variant type: Deletion.
Coding change: c.2415_2422del on transcript NM_004006.3 (MANE Select); coding-DNA positions 2415 to 2422, 8 bases deleted (AGAACAAC; older notation c.2415_2422delAGAACAAC).
Protein change: p.Leu808fs; shifts the reading frame from leucine 808.
Molecular consequence: frameshift variant.
Genome position (GRCh38, 1-based): chrX:32,491,477-32,491,484, GTTGTTCT deleted on the plus strand (AGAACAAC on the coding strand, the reverse complement: DMD is on the minus strand); deleting any 8 consecutive bases within chrX:32,491,477-32,491,485 gives the same sequence; the c. name uses the placement nearest the transcript's 3' end. VCF-style (leftmost placement, unchanged base first): chrX-32491476-AGTTGTTCT-A. GRCh37 (hg19) VCF-style: chrX-32509593-AGTTGTTCT-A.
Other names: c.2391_2398del, p.Leu800fs (NM_000109.4); c.2403_2410del, p.Leu804fs (NM_004009.3); c.2046_2053del, p.Leu685fs (NM_004010.3); short protein forms L800fs, L685fs, L804fs, L808fs.
Identifiers: ClinVar variation 1452873 (VCV001452873.6), dbSNP rs2148632453, ClinGen allele CA2573158820.
Genomic context (GRCh38, chrX:32,491,476, plus strand): 5'-TACTCCAGCCAGTTAAGTCTCTCACTTAGCAACTGGCAGAATTCGATCCACCGGCTGTTC[AGTTGTTCT>A]GAGGCTTGTTTGATGCTATCTGCATTAACACCCTCTAGAAAGAAAAAAATAATTAAATAT-3'